The following is an entry in ClinVar:

ClinVar aggregate classification (germline): Likely benign. Review status: criteria provided, multiple submitters, no conflicts (2 of 4 stars). 3 submissions from 3 submitters: Likely benign (3). Last evaluated 2023-12-01.

Conditions:
Hypertrophic cardiomyopathy. Also called: HYPERTROPHIC MYOCARDIOPATHY. Identifiers: Orphanet 217569, MedGen C0007194, MeSH D002312, MONDO:0005045, HP:0001639.
Cardiomyopathy (CMYO). Also called: Cardiomyopathies. Identifiers: Orphanet 167848, MedGen C0878544, MONDO:0004994, HP:0001638. Inheritance: Various modes of inheritance.

Allele frequency attached by ClinVar (database versions not stated): ExAC 0.00002; gnomAD exomes 0.00001.
gnomAD v4.1: 2 of 1,614,166 alleles (0.00012%); highest among the groups gnomAD compares: Non-Finnish European, 0.00017%; no homozygotes.

Submissions (3):

All of Us Research Program, National Institutes of Health
Classification: Likely benign for Hypertrophic cardiomyopathy. Last evaluated: 2023-12-01. Review status: criteria provided, single submitter. Criteria: ACMG Guidelines, 2015. Collection method: clinical testing. Allele origin: germline. Inheritance: Autosomal dominant inheritance. Observed: 2 variant alleles, 2 heterozygotes.
Comment: This study involves interpretation of variants in research participants for the purpose of population health screening. Participant phenotype was not available at the time of variant classification. Additional details can be found in publication PMID: 35346344, PMCID: PMC8962531

Color Diagnostics, LLC DBA Color Health
Classification: Likely benign for Cardiomyopathy. Last evaluated: 2023-06-21. Review status: criteria provided, single submitter. Criteria: ACMG Guidelines, 2015. Collection method: clinical testing. Allele origin: germline.

Labcorp Genetics (formerly Invitae), Labcorp
Classification: Likely benign for Hypertrophic cardiomyopathy. Last evaluated: 2023-03-02. Review status: criteria provided, single submitter. Criteria: Invitae Variant Classification Sherloc (09022015). Collection method: clinical testing. Allele origin: germline.

NM_001018005.2(TPM1):c.630G>A (p.Gln210=)

Gene: TPM1 (tropomyosin 1; plus strand). Cytogenetic location: 15q22.2.
Variant type: single nucleotide variant.
Coding change: c.630G>A on transcript NM_001018005.2 (MANE Select); coding-DNA position 630, G replaced by A.
Protein change: p.Gln210=; no amino-acid change (glutamine 210 retained).
Molecular consequence: synonymous variant. On other transcripts: intron variant (6).
Genome position (GRCh38, 1-based): chr15:63,061,779, G>A. VCF-style: chr15-63061779-G-A. GRCh37 (hg19) VCF-style: chr15-63353978-G-A.
Other names: c.630G>A, p.Gln210= (NM_001018004.2, NM_001018007.2, NM_001301244.2 and 3 more transcripts); c.522G>A, p.Gln174= (NM_001018008.2, NM_001301289.2, NM_001330346.2 and 2 more transcripts); c.756G>A, p.Gln252= (NM_001365778.1); c.640-436G>A (NM_001018020.2, NM_001018006.2, NM_000366.6); c.532-436G>A (NM_001330351.2, NM_001330344.2, NM_001365781.2).
Identifiers: ClinVar variation 525081 (VCV000525081.10), dbSNP rs761816813, ClinGen allele CA030985.